The following is an entry in ClinVar:

NM_001165963.4(SCN1A):c.4891T>C (p.Ser1631Pro)

Genes: SCN1A (sodium voltage-gated channel alpha subunit 1; minus strand), LOC102724058 (uncharacterized LOC102724058; plus strand). Cytogenetic location: 2q24.3.
Variant type: single nucleotide variant.
Coding change: c.4891T>C on transcript NM_001165963.4 (MANE Select); coding-DNA position 4891, T replaced by C.
Protein change: p.Ser1631Pro; replaces serine 1631 with proline.
Molecular consequence: missense variant. On other transcripts: non-coding transcript variant (1).
Genome position (GRCh38, 1-based): chr2:165,992,384, A>G on the plus strand (T>C on the coding strand, the complement: SCN1A is on the minus strand). VCF-style: chr2-165992384-A-G. GRCh37 (hg19) VCF-style: chr2-166848894-A-G.
Other names: c.4807T>C, p.Ser1603Pro (NM_001165964.3, NM_001353957.2, NM_001353958.2); c.4891T>C, p.Ser1631Pro (NM_001202435.3, NM_001353948.2); c.4858T>C, p.Ser1620Pro (NM_001353949.2, NM_001353950.2, NM_001353951.2 and 2 more transcripts); c.4855T>C, p.Ser1619Pro (NM_001353954.2, NM_001353955.2); c.4804T>C, p.Ser1602Pro (NM_001353960.2); c.2449T>C, p.Ser817Pro (NM_001353961.2); short protein forms S1602P, S1603P, S1619P, S1620P, S1631P, S817P.
Identifiers: ClinVar variation 4800260 (VCV004800260.2).
Genomic context (GRCh38, chr2:165,992,384, plus strand): 5'-TGATCAGACGTAGGATTCGGCCAATCCTAGCAAGACGGATCACTCGGAACAGGGTAGGGG[A>G]CACGAAATACTTTTCTATCAGCTCGGCAAGAAACATACCTATGAATAAACAATGAGAATA-3'
Protein context (NP_001159435.1, residues 1621-1641): LAELIEKYFV[Ser1631Pro]PTLFRVIRLA

ClinVar aggregate classification (germline): Conflicting classifications of pathogenicity. Review status: criteria provided, conflicting classifications (1 of 4 stars). 2 submissions from 2 submitters: Likely pathogenic (1); Uncertain significance (1). Last evaluated 2025-02-26.

Conditions:
Early-infantile DEE. Also called: Early infantile epileptic encephalopathy; Ohtahara syndrome; Early infantile epileptic encephalopathy with suppression bursts. Identifiers: Orphanet 1934, MedGen C0393706, MONDO:0800491.
SCN1A-related disorder. Also called: SCN1A-related conditions; SCN1A-related condition; SCN1A-related disorders.

Submissions (2):

Labcorp Genetics (formerly Invitae), Labcorp
Classification: Uncertain significance for Early-infantile DEE. Last evaluated: 2025-02-26. Review status: criteria provided, single submitter. Criteria: Invitae Variant Classification Sherloc (09022015). Collection method: clinical testing. Allele origin: germline.
Comment: This sequence change replaces serine, which is neutral and polar, with proline, which is neutral and non-polar, at codon 1631 of the SCN1A protein (p.Ser1631Pro). This variant is not present in population databases (gnomAD no frequency). This variant has not been reported in the literature in individuals affected with SCN1A-related conditions. Invitae Evidence Modeling of protein sequence and biophysical properties (such as structural, functional, and spatial information, amino acid conservation, physicochemical variation, residue mobility, and thermodynamic stability) indicates that this missense variant is expected to disrupt SCN1A protein function with a positive predictive value of 95%. In summary, the available evidence is currently insufficient to determine the role of this variant in disease. Therefore, it has been classified as a Variant of Uncertain Significance.

Blueprint Genetics
Classification: Likely pathogenic for SCN1A-related disorders. Last evaluated: 2024-01-30. Review status: criteria provided, single submitter. Criteria: ACMG Guidelines, 2015. Collection method: clinical testing. Allele origin: germline. Affected: yes. Observed: 1 variant allele.